The following is an entry in ClinVar:

ClinVar aggregate classification (germline): Uncertain significance (1 of 4 stars; one submission).

Conditions:
Cardiovascular phenotype. Identifiers: MedGen CN230736.

gnomAD v4.1: 6 of 1,547,234 alleles (0.00039%); highest among the groups gnomAD compares: South Asian, 0.0012%; no homozygotes.

Submission:

Ambry Genetics
Classification: Uncertain significance for Cardiovascular phenotype. Last evaluated: 2023-09-30. Review status: criteria provided, single submitter. Criteria: Ambry Variant Classification Scheme 2023. Collection method: clinical testing. Allele origin: germline.
Comment: The p.G3256W variant (also known as c.9766G>T), located in coding exon 2 of the ZNF469 gene, results from a G to T substitution at nucleotide position 9766. The glycine at codon 3256 is replaced by tryptophan, an amino acid with highly dissimilar properties. This amino acid position is conserved. In addition, this alteration is predicted to be tolerated by in silico analysis. Since supporting evidence is limited at this time, the clinical significance of this alteration remains unclear.

NM_001367624.2(ZNF469):c.9850G>T (p.Gly3284Trp)

Gene: ZNF469 (zinc finger protein 469; plus strand). Cytogenetic location: 16q24.2.
Variant type: single nucleotide variant.
Coding change: c.9850G>T on transcript NM_001367624.2 (MANE Select); coding-DNA position 9850, G replaced by T.
Protein change: p.Gly3284Trp; replaces glycine 3284 with tryptophan.
Molecular consequence: missense variant.
Genome position (GRCh38, 1-based): chr16:88,437,320, G>T. VCF-style: chr16-88437320-G-T. GRCh37 (hg19) VCF-style: chr16-88503728-G-T.
Other names: NM_001127464.1:c.9766G>T; short protein forms G3284W.
Identifiers: ClinVar variation 3232888 (VCV003232888.1), dbSNP rs773064083, ClinGen allele CA397124897.
Genomic context (GRCh38, chr16:88,437,320, plus strand): 5'-AAAGACAGCCCGGGCGAGAGGGCGAAACCCCGGGCACGCAGCACCCCCAGCAACCCAGAC[G>T]GGGCCGCGACCCCAGACAGCGCCTCTGCCACCGCCCTGGCTGACGCCGGCAGCCCGGGCC-3'
Protein context (NP_001354553.1, residues 3274-3294): RARSTPSNPD[Gly3284Trp]AATPDSASAT